The following is an entry in ClinVar:

NM_000089.4(COL1A2):c.3583_3597del (p.Cys1195_Thr1199del)

Gene: COL1A2 (collagen type I alpha 2 chain; plus strand). Cytogenetic location: 7q21.3.
Variant type: Deletion.
Coding change: c.3583_3597del on transcript NM_000089.4 (MANE Select); coding-DNA positions 3583 to 3597, 15 bases deleted (TGTGATTTCTCTACT).
Protein change: p.Cys1195_Thr1199del.
Molecular consequence: inframe deletion.
Genome position (GRCh38, 1-based): chr7:94,428,349-94,428,363, TGTGATTTCTCTACT deleted. VCF-style (leftmost placement, unchanged base first): chr7-94428348-CTGTGATTTCTCTACT-C. GRCh37 (hg19) VCF-style: chr7-94057660-CTGTGATTTCTCTACT-C.
Identifiers: ClinVar variation 1472247 (VCV001472247.6), dbSNP rs2115962258, ClinGen allele CA2573142496.

ClinVar aggregate classification (germline): Likely pathogenic (1 of 4 stars; one submission).

Conditions:
Ehlers-Danlos syndrome, classic type, 1 (EDSCL1). Also called: EHLERS-DANLOS SYNDROME, GRAVIS TYPE; EHLERS-DANLOS SYNDROME, SEVERE CLASSIC TYPE; Ehlers-Danlos syndrome, type 1; Ehlers-Danlos Syndrome, Classic Type, COL5A1-Related; EDS I. Identifiers: MedGen C0268335, MONDO:0019567, OMIM 130000.
Osteogenesis imperfecta type I (OI1). Also called: OI, TYPE I; OSTEOGENESIS IMPERFECTA TARDA; OSTEOGENESIS IMPERFECTA WITH BLUE SCLERAE; Osteogenesis imperfecta type 1; Lobstein's Disease; Lobstein disease. Identifiers: Orphanet 216796, Orphanet 666, MedGen C0023931, MONDO:0008146, OMIM 166200. Disease mechanism: loss of function.

Submission:

Labcorp Genetics (formerly Invitae), Labcorp
Classification: Likely pathogenic for Osteogenesis imperfecta type I; Ehlers-Danlos syndrome, classic type, 1. Last evaluated: 2024-12-24. Review status: criteria provided, single submitter. Criteria: Invitae Variant Classification Sherloc (09022015). Collection method: clinical testing. Allele origin: germline.
Comment: This variant, c.3583_3597del, results in the deletion of 5 amino acid(s) of the COL1A2 protein (p.Cys1195_Thr1199del), but otherwise preserves the integrity of the reading frame. This variant is not present in population databases (gnomAD no frequency). This variant has been observed in individual(s) with autosomal dominant osteogenesis imperfecta (internal data). ClinVar contains an entry for this variant (Variation ID: 1472247). Experimental studies and prediction algorithms are not available or were not evaluated, and the functional significance of this variant is currently unknown. In summary, the currently available evidence indicates that the variant is pathogenic, but additional data are needed to prove that conclusively. Therefore, this variant has been classified as Likely Pathogenic.